The following is an entry in ClinVar:

NM_003803.4(MYOM1):c.3539A>C (p.Asp1180Ala)

Gene: MYOM1 (myomesin 1; minus strand). Cytogenetic location: 18p11.31.
Variant type: single nucleotide variant.
Coding change: c.3539A>C on transcript NM_003803.4 (MANE Select); coding-DNA position 3539, A replaced by C.
Protein change: p.Asp1180Ala; replaces aspartic acid 1180 with alanine.
Molecular consequence: missense variant.
Genome position (GRCh38, 1-based): chr18:3,102,510, T>G on the plus strand (A>C on the coding strand, the complement: MYOM1 is on the minus strand). VCF-style: chr18-3102510-T-G. GRCh37 (hg19) VCF-style: chr18-3102508-T-G.
Other names: c.3251A>C, p.Asp1084Ala (NM_019856.2); short protein forms D1084A, D1180A.
Identifiers: ClinVar variation 654555 (VCV000654555.11), dbSNP rs188319622, ClinGen allele CA8874267.

ClinVar aggregate classification (germline): Uncertain significance. Review status: criteria provided, multiple submitters, no conflicts (2 of 4 stars). 2 submissions from 2 submitters: Uncertain significance (2). Last evaluated 2025-05-26.

Conditions:
Hypertrophic cardiomyopathy. Also called: HYPERTROPHIC MYOCARDIOPATHY. Identifiers: Orphanet 217569, MedGen C0007194, MeSH D002312, MONDO:0005045, HP:0001639.

Allele frequency attached by ClinVar (database versions not stated): TOPMed 0.00003.
gnomAD v4.1: 38 of 1,613,178 alleles (0.0024%); highest among the groups gnomAD compares: East Asian, 0.027%; no homozygotes.

Submissions (2):

Ambry Genetics
Classification: Uncertain significance. Last evaluated: 2025-05-26. Review status: criteria provided, single submitter. Criteria: Ambry Variant Classification Scheme 2023. Collection method: clinical testing. Allele origin: germline.
Comment: The p.D1180A variant (also known as c.3539A>C), located in coding exon 22 of the MYOM1 gene, results from an A to C substitution at nucleotide position 3539. The aspartic acid at codon 1180 is replaced by alanine, an amino acid with dissimilar properties. This amino acid position is conserved. In addition, the in silico prediction for this alteration is inconclusive. Since supporting evidence is limited at this time, the clinical significance of this alteration remains unclear.

Labcorp Genetics (formerly Invitae), Labcorp
Classification: Uncertain significance for Hypertrophic cardiomyopathy. Last evaluated: 2025-01-30. Review status: criteria provided, single submitter. Criteria: Invitae Variant Classification Sherloc (09022015). Collection method: clinical testing. Allele origin: germline.
Comment: This sequence change replaces aspartic acid, which is acidic and polar, with alanine, which is neutral and non-polar, at codon 1180 of the MYOM1 protein (p.Asp1180Ala). This variant is present in population databases (rs188319622, gnomAD 0.07%), and has an allele count higher than expected for a pathogenic variant. This missense change has been observed in individual(s) with MYOM1-related conditions (internal data). ClinVar contains an entry for this variant (Variation ID: 654555). Invitae Evidence Modeling of protein sequence and biophysical properties (such as structural, functional, and spatial information, amino acid conservation, physicochemical variation, residue mobility, and thermodynamic stability) has been performed for this missense variant. However, the output from this modeling did not meet the statistical confidence thresholds required to predict the impact of this variant on MYOM1 protein function. In summary, the available evidence is currently insufficient to determine the role of this variant in disease. Therefore, it has been classified as a Variant of Uncertain Significance.